The following is an entry in ClinVar:

ClinVar aggregate classification (germline): Uncertain significance (1 of 4 stars; one submission).

Allele frequency attached by ClinVar (database versions not stated): gnomAD exomes below 0.00001.
gnomAD v4.1: 2 of 1,612,776 alleles (0.00012%); highest among the groups gnomAD compares: Non-Finnish European, 0.00017%; no homozygotes.

Submission:

CeGaT Center for Human Genetics Tuebingen
Classification: Uncertain significance. Last evaluated: 2024-03-01. Review status: criteria provided, single submitter. Criteria: CeGaT Center For Human Genetics Tuebingen Variant Classification Criteria Version 2. Collection method: clinical testing. Allele origin: germline. Affected: yes. Observed: 1 variant allele.
Comment: KIF1A: PM2, PP3

NM_001244008.2(KIF1A):c.3349T>C (p.Tyr1117His)

Gene: KIF1A (kinesin family member 1A; minus strand). Cytogenetic location: 2q37.3.
Variant type: single nucleotide variant.
Coding change: c.3349T>C on transcript NM_001244008.2 (MANE Select); coding-DNA position 3349, T replaced by C.
Protein change: p.Tyr1117His; replaces tyrosine 1117 with histidine.
Molecular consequence: missense variant.
Genome position (GRCh38, 1-based): chr2:240,745,763, A>G on the plus strand (T>C on the coding strand, the complement: KIF1A is on the minus strand). VCF-style: chr2-240745763-A-G. GRCh37 (hg19) VCF-style: chr2-241685180-A-G.
Other names: c.3073T>C, p.Tyr1025His (NM_001320705.2, NM_001330289.2, NM_001379638.1); c.3148T>C, p.Tyr1050His (NM_001330290.2, NM_001379634.1, NM_001379635.1 and 1 more transcripts); c.3424T>C, p.Tyr1142His (NM_001379631.1); c.3298T>C, p.Tyr1100His (NM_001379632.1); c.3322T>C, p.Tyr1108His (NM_001379633.1, NM_001379642.1, NM_001379645.1); c.3046T>C, p.Tyr1016His (NM_001379636.1, NM_001379639.1, NM_001379641.1 and 6 more transcripts); c.3121T>C, p.Tyr1041His (NM_001379637.1, NM_001379648.1); c.3043T>C, p.Tyr1015His (NM_001379640.1); short protein forms Y1015H, Y1016H, Y1025H, Y1041H, Y1050H, Y1100H, Y1108H, Y1117H.
Identifiers: ClinVar variation 3067546 (VCV003067546.21), dbSNP rs1459131312, ClinGen allele CA351317773.
Genomic context (GRCh38, chr2:240,745,763, plus strand): 5'-CGCAGCGCAGGGACACAAAGGCAGCAGGGCCTCACTTGAACTGGCAGAAGATGTCGGCAT[A>G]TTCGGCAGAGATGCTGGACGCCTGCAGGACTGTCACACGGAAGGTGAAGGTGTTGCCCAG-3'
Protein context (NP_001230937.1, residues 1107-1127): VLQASSISAE[Tyr1117His]ADIFCQFNFI